The following is an entry in ClinVar:

NM_005186.4(CAPN1):c.189G>C (p.Pro63=)

Gene: CAPN1 (calpain 1; plus strand). Cytogenetic location: 11q13.1.
Variant type: single nucleotide variant.
Coding change: c.189G>C on transcript NM_005186.4 (MANE Select); coding-DNA position 189, G replaced by C.
Protein change: p.Pro63=; no amino-acid change (proline 63 retained).
Molecular consequence: synonymous variant. On other transcripts: missense variant (1), non-coding transcript variant (1).
Genome position (GRCh38, 1-based): chr11:65,182,890, G>C. VCF-style: chr11-65182890-G-C. GRCh37 (hg19) VCF-style: chr11-64950361-G-C.
Other names: c.189G>C, p.Pro63= (NM_001198868.2, NM_001198869.2); c.98G>C, p.Arg33Pro (NM_001198870.1); short protein forms R33P.
Identifiers: ClinVar variation 2080717 (VCV002080717.28), dbSNP rs201613582, ClinGen allele CA6092971.
Genomic context (GRCh38, chr11:65,182,890, plus strand): 5'-GCAGCTGCGGGTGCGATGCCTGCAGAGTGGGACCCTCTTCCGTGATGAGGCCTTCCCCCC[G>C]GTACCCCAGAGCCTGGGTTACAAGGACCTGGGTCCCAATTCCTCCAAGACCTATGGCATC-3'
Protein context (NP_005177.2, residues 53-73): GTLFRDEAFP[Pro63=]VPQSLGYKDL

ClinVar aggregate classification (germline): Likely benign. Review status: criteria provided, multiple submitters, no conflicts (2 of 4 stars). 2 submissions from 2 submitters: Likely benign (2). Last evaluated 2025-10-08.

Allele frequency attached by ClinVar (database versions not stated): TOPMed 0.00023; ESP Exome Variant Server 0.00024; ExAC 0.00087.
gnomAD v4.1: 530 of 1,606,204 alleles (0.033%); highest among the groups gnomAD compares: Non-Finnish European, 0.038%; no homozygotes.

Submissions (2):

Labcorp Genetics (formerly Invitae), Labcorp
Classification: Likely benign. Last evaluated: 2025-10-08. Review status: criteria provided, single submitter. Criteria: Invitae Variant Classification Sherloc (09022015). Collection method: clinical testing. Allele origin: germline.

CeGaT Center for Human Genetics Tuebingen
Classification: Likely benign. Last evaluated: 2025-01-01. Review status: criteria provided, single submitter. Criteria: CeGaT Center For Human Genetics Tuebingen Variant Classification Criteria Version 2. Collection method: clinical testing. Allele origin: germline. Affected: yes. Observed: 2 variant alleles.
Comment: CAPN1: BP4, BP7